The following is an entry in ClinVar:

ClinVar aggregate classification (germline): Conflicting classifications of pathogenicity. Review status: criteria provided, conflicting classifications (1 of 4 stars). 2 submissions from 2 submitters: Uncertain significance (1); Likely benign (1). Last evaluated 2024-12-23.

Conditions:
Pyogenic arthritis-pyoderma gangrenosum-acne syndrome (PAPA). Also called: FAMILIAL RECURRENT ARTHRITIS; PAPA SYNDROME. Identifiers: Orphanet 69126, MedGen C1858361, MONDO:0011462, OMIM 604416.

Allele frequency attached by ClinVar (database versions not stated): gnomAD 0.00001; gnomAD exomes 0.00001 and 0.00003; ExAC 0.00002; TOPMed 0.00004; ESP Exome Variant Server 0.00008.
gnomAD v4.1: 14 of 1,609,318 alleles (0.00087%); highest among the groups gnomAD compares: African/African-American, 0.0067%; no homozygotes.

Submissions (2):

Labcorp Genetics (formerly Invitae), Labcorp
Classification: Uncertain significance for Pyogenic arthritis-pyoderma gangrenosum-acne syndrome. Last evaluated: 2024-12-23. Review status: criteria provided, single submitter. Criteria: Invitae Variant Classification Sherloc (09022015). Collection method: clinical testing. Allele origin: germline.
Comment: This sequence change replaces glutamic acid, which is acidic and polar, with lysine, which is basic and polar, at codon 339 of the PSTPIP1 protein (p.Glu339Lys). This variant is present in population databases (rs372468528, gnomAD 0.01%). This variant has not been reported in the literature in individuals affected with PSTPIP1-related conditions. ClinVar contains an entry for this variant (Variation ID: 649974). Invitae Evidence Modeling of protein sequence and biophysical properties (such as structural, functional, and spatial information, amino acid conservation, physicochemical variation, residue mobility, and thermodynamic stability) indicates that this missense variant is not expected to disrupt PSTPIP1 protein function with a negative predictive value of 80%. In summary, the available evidence is currently insufficient to determine the role of this variant in disease. Therefore, it has been classified as a Variant of Uncertain Significance.

Blueprint Genetics
Classification: Likely benign. Last evaluated: 2022-07-13. Review status: criteria provided, single submitter. Criteria: ACMG Guidelines, 2015. Collection method: clinical testing. Allele origin: germline.

NM_003978.5(PSTPIP1):c.1015G>A (p.Glu339Lys)

Gene: PSTPIP1 (proline-serine-threonine phosphatase interacting protein 1; plus strand). Cytogenetic location: 15q24.3.
Variant type: single nucleotide variant.
Coding change: c.1015G>A on transcript NM_003978.5 (MANE Select); coding-DNA position 1015, G replaced by A.
Protein change: p.Glu339Lys; replaces glutamic acid 339 with lysine.
Molecular consequence: missense variant. On other transcripts: non-coding transcript variant (1).
Genome position (GRCh38, 1-based): chr15:77,035,831, G>A. VCF-style: chr15-77035831-G-A. GRCh37 (hg19) VCF-style: chr15-77328172-G-A.
Other names: c.958G>A, p.Glu320Lys (NM_001321135.2); c.988G>A, p.Glu330Lys (NM_001321136.2); c.1210G>A, p.Glu404Lys (NM_001321137.1); short protein forms E320K, E330K, E339K, E404K.
Identifiers: ClinVar variation 649974 (VCV000649974.11), dbSNP rs372468528, ClinGen allele CA7676137.